The following is an entry in ClinVar:

ClinVar aggregate classification (germline): Pathogenic (1 of 4 stars; one submission).

Conditions:
Ehlers-Danlos syndrome due to tenascin-X deficiency (EDSCLL1). Also called: Ehlers-Danlos syndrome, classic-like, 1; EHLERS-DANLOS SYNDROME, CLASSIC-LIKE; TNXB-Related Classical-Like Ehlers-Danlos Syndrome; EDS DUE TO TNX DEFICIENCY; TNX DEFICIENCY. Identifiers: Orphanet 230839, MedGen C1848029, MONDO:0011670, OMIM 606408.

gnomAD v4.1: 1 of 1,609,598 alleles (0.000062%); no homozygotes.

Submission:

Myriad Genetics, Inc.
Classification: Pathogenic for Ehlers-Danlos syndrome due to tenascin-X deficiency. Last evaluated: 2025-04-16. Review status: criteria provided, single submitter. Criteria: Myriad Autosomal Dominant, Autosomal Recessive and X-Linked Classification Criteria (2023). Collection method: clinical testing. Allele origin: unknown.
Comment: NM_019105.6(TNXB):c.4945C>T(Q1649*) is expected to be pathogenic in the context of classical-like Ehlers-Danlos syndrome, TNXB-related. This variant is predicted to lead to an abnormal or absent protein product due to the creation of a premature termination codon in TNXB, a gene where loss-of-function variants are known to be pathogenic. Please note: this variant was assessed in the context of healthy population screening.

NM_001365276.2(TNXB):c.4945C>T (p.Gln1649Ter)

Gene: TNXB (tenascin XB; minus strand). Cytogenetic location: 6p21.33.
Variant type: single nucleotide variant.
Coding change: c.4945C>T on transcript NM_001365276.2 (MANE Select); coding-DNA position 4945, C replaced by T.
Protein change: p.Gln1649Ter; replaces glutamine 1649 with a stop codon.
Molecular consequence: nonsense.
Genome position (GRCh38, 1-based): chr6:32,072,035, G>A on the plus strand (C>T on the coding strand, the complement: TNXB is on the minus strand). VCF-style: chr6-32072035-G-A. GRCh37 (hg19) VCF-style: chr6-32039812-G-A.
Other names: c.5686C>T, p.Gln1896Ter (NM_001428335.1); c.4945C>T, p.Gln1649Ter (NM_019105.8); short protein forms Q1649*, Q1896*.
Identifiers: ClinVar variation 5014335 (VCV005014335.1).